The following is an entry in ClinVar:

ClinVar aggregate classification (germline): Benign. Review status: criteria provided, multiple submitters, no conflicts (2 of 4 stars). 4 submissions from 4 submitters: Benign (3). 1 of the submissions does not count toward it. Last evaluated 2025-11-24.

Conditions:
ARHGEF18-related disorder. Also called: ARHGEF18-related condition.

Allele frequency attached by ClinVar (database versions not stated): gnomAD exomes 0.14434 and 0.16172; ExAC 0.17850; gnomAD 0.21635 and 0.22031; TOPMed 0.21883; 1000 Genomes Project 0.24081; 1000 Genomes Project 30x 0.24672.
gnomAD v4.1: 225,186 of 1,480,970 alleles (15%); highest among the groups gnomAD compares: African/African-American, 41%; 20,026 homozygotes.

Submissions (4):

Labcorp Genetics (formerly Invitae), Labcorp
Classification: Benign. Last evaluated: 2025-11-24. Review status: criteria provided, single submitter. Criteria: Invitae Variant Classification Sherloc (09022015). Collection method: clinical testing. Allele origin: germline.

Blueprint Genetics
Classification: Benign. Last evaluated: 2024-11-28. Review status: criteria provided, single submitter. Criteria: ACMG Guidelines, 2015. Collection method: clinical testing. Allele origin: germline.

Breakthrough Genomics
Classification: Benign. Review status: criteria provided, single submitter. Criteria: ACMG Guidelines, 2015. Collection method: not provided. Allele origin: germline. Inheritance: Autosomal recessive inheritance. Affected: yes.

PreventionGenetics, part of Exact Sciences
Classification: Benign for ARHGEF18-related condition. Last evaluated: 2019-10-30. Review status: no assertion criteria provided. Collection method: clinical testing. Allele origin: germline. Not counted in ClinVar's aggregate classification.
Comment: This variant is classified as benign based on ACMG/AMP sequence variant interpretation guidelines (Richards et al. 2015 PMID: 25741868, with internal and published modifications).

NM_001367823.1(ARHGEF18):c.3480+6C>T

Gene: ARHGEF18 (Rho/Rac guanine nucleotide exchange factor 18; plus strand). Cytogenetic location: 19p13.2.
Variant type: single nucleotide variant.
Coding change: c.3480+6C>T on transcript NM_001367823.1 (MANE Select); 6 bases into the intron after coding-DNA position 3480, C replaced by T.
Molecular consequence: intron variant.
Genome position (GRCh38, 1-based): chr19:7,467,690, C>T. VCF-style: chr19-7467690-C-T. GRCh37 (hg19) VCF-style: chr19-7532576-C-T.
Other names: c.2916+6C>T (NM_001130955.1); c.2442+6C>T (NM_001367824.1, NM_015318.4); c.2754+6C>T (NM_001130955.2).
Identifiers: ClinVar variation 1168289 (VCV001168289.13), dbSNP rs2303143, ClinGen allele CA9137142.